The following is an entry in ClinVar:

ClinVar aggregate classification (germline): Likely benign (1 of 4 stars; one submission).

Conditions:
Leigh syndrome (NULS). Also called: Leigh's necrotizing encephalopathy; Leigh's disease; Leigh Syndrome (mtDNA deletion); Leigh Disease; Subacute necrotizing encephalopathy; Necrotizing encephalopathy infantile subacute of Leigh. Identifiers: Orphanet 506, MedGen C2931891, MONDO:0009723, OMIM 256000.

Submission:

Wong Mito Lab, Molecular and Human Genetics, Baylor College of Medicine
Classification: Likely benign for Leigh syndrome. Last evaluated: 2019-10-17. Review status: criteria provided, single submitter. Criteria: Modified ACMG Guidelines (Unpublished). Collection method: clinical testing. Allele origin: germline.
Comment: The NC_012920.1:m.9630G>A (YP_003024032.1:p.Val142Met) variant in MTCO3 gene is interpretated to be a Likely Benign variant based on the modified ACMG guidelines (unpublished). This variant meets the following evidence codes: BS4, BP6

NC_012920.1(MT-CO3):m.9630G>A

Gene: MT-CO3 (mitochondrially encoded cytochrome c oxidase III; plus strand).
Variant type: single nucleotide variant.
Genome position: chrM-9630-G-A.
Identifiers: ClinVar variation 693193 (VCV000693193.1), dbSNP rs1603222403, ClinGen allele CA414803353.